The following is an entry in ClinVar:

ClinVar aggregate classification (germline): Likely benign. Review status: criteria provided, single submitter (1 of 4 stars). 2 submissions from 2 submitters: Likely benign (1). 1 of the submissions does not count toward it. Last evaluated 2025-04-24.

Conditions:
IFT74-related disorder. Also called: IFT74-related condition; IFT74-Related Disorders.

Allele frequency attached by ClinVar (database versions not stated): ExAC 0.00008; TOPMed 0.00008; gnomAD 0.00009; ESP Exome Variant Server 0.00017.
gnomAD v4.1: 150 of 1,585,302 alleles (0.0095%); highest among the groups gnomAD compares: Non-Finnish European, 0.011%; no homozygotes.

Submissions (2):

Labcorp Genetics (formerly Invitae), Labcorp
Classification: Likely benign. Last evaluated: 2025-04-24. Review status: criteria provided, single submitter. Criteria: Invitae Variant Classification Sherloc (09022015). Collection method: clinical testing. Allele origin: germline.

PreventionGenetics, part of Exact Sciences
Classification: Likely benign for IFT74-related condition. Last evaluated: 2022-12-12. Review status: no assertion criteria provided. Collection method: clinical testing. Allele origin: germline. Not counted in ClinVar's aggregate classification.
Comment: This variant is classified as likely benign based on ACMG/AMP sequence variant interpretation guidelines (Richards et al. 2015 PMID: 25741868, with internal and published modifications).

NM_025103.4(IFT74):c.751T>C (p.Leu251=)

Gene: IFT74 (intraflagellar transport 74; plus strand). Cytogenetic location: 9p21.2.
Variant type: single nucleotide variant.
Coding change: c.751T>C on transcript NM_025103.4 (MANE Select); coding-DNA position 751, T replaced by C.
Protein change: p.Leu251=; no amino-acid change (leucine 251 retained).
Molecular consequence: synonymous variant.
Genome position (GRCh38, 1-based): chr9:27,011,930, T>C. VCF-style: chr9-27011930-T-C. GRCh37 (hg19) VCF-style: chr9-27011928-T-C.
Other names: c.751T>C, p.Leu251= (NM_001099222.3, NM_001099223.3, NM_001099224.3 and 1 more transcripts); c.751T>C (NM_025103.2).
Identifiers: ClinVar variation 2428285 (VCV002428285.9), dbSNP rs377748961, ClinGen allele CA5015383.
Genomic context (GRCh38, chr9:27,011,930, plus strand): 5'-ATTTGGATTTATGTTTGCTTTTTTTTTTCCACTTAGGAATTAGATACACTTCAACAACAA[T>C]TGGATTCACAGAACATGAAAAAAGAGAGCCTGGAAGCAGTAAGTATAAAATCAAATAAGG-3'
Protein context (NP_079379.2, residues 241-261): LQELDTLQQQ[Leu251=]DSQNMKKESL